The following is an entry in ClinVar:

ClinVar aggregate classification (germline): Uncertain significance. Review status: criteria provided, single submitter (1 of 4 stars). 2 submissions from 2 submitters: Uncertain significance (1). 1 of the submissions does not count toward it. Last evaluated 2021-06-11.

Conditions:
ADGRL2-related disorder. Also called: ADGRL2-related condition.

Allele frequency attached by ClinVar (database versions not stated): ESP Exome Variant Server 0.00008; 1000 Genomes Project 30x 0.00016; 1000 Genomes Project 0.00020; ExAC 0.00054.
gnomAD v4.1: 679 of 1,613,604 alleles (0.042%); highest among the groups gnomAD compares: Non-Finnish European, 0.043%; 1 homozygote.

Submissions (2):

Ambry Genetics
Classification: Uncertain significance. Last evaluated: 2021-06-11. Review status: criteria provided, single submitter. Criteria: Ambry Variant Classification Scheme 2023. Collection method: clinical testing. Allele origin: germline.

PreventionGenetics, part of Exact Sciences
Classification: Likely benign for ADGRL2-related condition. Last evaluated: 2022-07-28. Review status: no assertion criteria provided. Collection method: clinical testing. Allele origin: germline. Not counted in ClinVar's aggregate classification.
Comment: This variant is classified as likely benign based on ACMG/AMP sequence variant interpretation guidelines (Richards et al. 2015 PMID: 25741868, with internal and published modifications).

NM_001366006.2(ADGRL2):c.2032G>T (p.Val678Leu)

Gene: ADGRL2 (adhesion G protein-coupled receptor L2; plus strand). Cytogenetic location: 1p31.1.
Variant type: single nucleotide variant.
Coding change: c.2032G>T on transcript NM_001366006.2 (MANE Select); coding-DNA position 2032, G replaced by T.
Protein change: p.Val678Leu; replaces valine 678 with leucine.
Molecular consequence: missense variant. On other transcripts: non-coding transcript variant (1).
Genome position (GRCh38, 1-based): chr1:81,966,072, G>T. VCF-style: chr1-81966072-G-T. GRCh37 (hg19) VCF-style: chr1-82431756-G-T.
Other names: c.1981G>T, p.Val661Leu (NM_001297704.3, NM_001297705.3, NM_001297706.3 and 7 more transcripts); c.2020G>T, p.Val674Leu (NM_001330645.3, NM_001366009.2, NM_001393350.1); c.2032G>T, p.Val678Leu (NM_001350698.2, NM_001366003.2, NM_001366004.2 and 4 more transcripts); c.2032G>T (NM_001366005.1); short protein forms V661L, V678L, V674L.
Identifiers: ClinVar variation 2231793 (VCV002231793.4), dbSNP rs142415541, ClinGen allele CA922622.